The following is an entry in ClinVar:

NM_002734.5(PRKAR1A):c.877T>A (p.Phe293Ile)

Gene: PRKAR1A (protein kinase cAMP-dependent type I regulatory subunit alpha; plus strand). Cytogenetic location: 17q24.2.
Variant type: single nucleotide variant.
Coding change: c.877T>A on transcript NM_002734.5 (MANE Select); coding-DNA position 877, T replaced by A.
Protein change: p.Phe293Ile; replaces phenylalanine 293 with isoleucine.
Molecular consequence: missense variant.
Genome position (GRCh38, 1-based): chr17:68,528,977, T>A. VCF-style: chr17-68528977-T-A. GRCh37 (hg19) VCF-style: chr17-66525118-T-A.
Other names: c.877T>A, p.Phe293Ile (NM_001276289.2, NM_001276290.1, NM_001278433.2 and 4 more transcripts); short protein forms F293I.
Identifiers: ClinVar variation 2017377 (VCV002017377.4), dbSNP rs2509438133, ClinGen allele CA400754025.

ClinVar aggregate classification (germline): Pathogenic (1 of 4 stars; one submission).

Conditions:
Carney complex, type 1 (CNC1). Also called: CARNEY MYXOMA-ENDOCRINE COMPLEX; CARNEY COMPLEX, TYPE I. Identifiers: Orphanet 1359, MedGen C2607929, MONDO:0008057, OMIM 160980.

Submission:

Labcorp Genetics (formerly Invitae), Labcorp
Classification: Pathogenic for Carney complex, type 1. Last evaluated: 2025-09-15. Review status: criteria provided, single submitter. Criteria: Invitae Variant Classification Sherloc (09022015). Collection method: clinical testing. Allele origin: germline.
Comment: This sequence change replaces phenylalanine, which is neutral and non-polar, with isoleucine, which is neutral and non-polar, at codon 293 of the PRKAR1A protein (p.Phe293Ile). This variant is not present in population databases (gnomAD no frequency). This missense change has been observed in individual(s) with clinical features of acrodysostosis (internal data). In at least one individual the variant was observed to be de novo. ClinVar contains an entry for this variant (Variation ID: 2017377). Invitae Evidence Modeling of protein sequence and biophysical properties (such as structural, functional, and spatial information, amino acid conservation, physicochemical variation, residue mobility, and thermodynamic stability) indicates that this missense variant is expected to disrupt PRKAR1A protein function with a positive predictive value of 80%. For these reasons, this variant has been classified as Pathogenic.